The following is an entry in ClinVar:

NM_001267550.2(TTN):c.25272dup (p.Ser8425fs)

Gene: TTN (titin; minus strand). Cytogenetic location: 2q31.2.
Variant type: Duplication.
Coding change: c.25272dup on transcript NM_001267550.2 (MANE Select); coding-DNA position 25272, one base duplicated (G; older notation c.25272dupG).
Protein change: p.Ser8425fs; shifts the reading frame from serine 8425.
Molecular consequence: frameshift variant. On other transcripts: intron variant (3).
Genome position (GRCh38, 1-based): chr2:178,717,602, C duplicated on the plus strand (G on the coding strand, the reverse complement: TTN is on the minus strand). VCF-style (leftmost placement, unchanged base first): chr2-178717601-T-TC. GRCh37 (hg19) VCF-style: chr2-179582328-T-TC.
Other names: c.24321dup, p.Ser8108fs (NM_001256850.1); c.21540dup, p.Ser7181fs (NM_133378.4); c.13282+20480dup (NM_003319.4); c.13858+20480dup (NM_133437.4); c.13657+20480dup (NM_133432.3); short protein forms S7181fs, S8108fs, S8425fs.
Identifiers: ClinVar variation 3573707 (VCV003573707.1).

ClinVar aggregate classification (germline): Uncertain significance (1 of 4 stars; one submission).

Submission:

GeneDx
Classification: Uncertain significance. Last evaluated: 2024-07-16. Review status: criteria provided, single submitter. Criteria: GeneDx Variant Classification Process June 2021. Collection method: clinical testing. Allele origin: germline. Affected: yes.
Comment: Has not been previously published as pathogenic or benign to our knowledge; Not observed at significant frequency in large population cohorts (gnomAD); Frameshift variant predicted to result in protein truncation or nonsense mediated decay in a gene or region of a gene for which loss of function is not a well-established mechanism of disease